The following is an entry in ClinVar:

NM_001291303.3(FAT4):c.7442C>G (p.Thr2481Ser)

Gene: FAT4 (FAT atypical cadherin 4; plus strand). Cytogenetic location: 4q28.1.
Variant type: single nucleotide variant.
Coding change: c.7442C>G on transcript NM_001291303.3 (MANE Select); coding-DNA position 7442, C replaced by G.
Protein change: p.Thr2481Ser; replaces threonine 2481 with serine.
Molecular consequence: missense variant.
Genome position (GRCh38, 1-based): chr4:125,446,535, C>G. VCF-style: chr4-125446535-C-G. GRCh37 (hg19) VCF-style: chr4-126367690-C-G.
Other names: c.7442C>G, p.Thr2481Ser (NM_001291285.3, NM_001438396.1, NM_001438397.1); c.2213C>G, p.Thr738Ser (NM_001437895.1); c.7436C>G, p.Thr2479Ser (NM_024582.6); short protein forms T2479S, T2481S, T738S.
Identifiers: ClinVar variation 4985318 (VCV004985318.1).

ClinVar aggregate classification (germline): Uncertain significance (1 of 4 stars; one submission).

Conditions:
FAT4-related disorder. Also called: FAT4-related condition.

gnomAD v4.1: 15 of 1,608,838 alleles (0.00093%); highest among the groups gnomAD compares: African/African-American, 0.0013%; no homozygotes.

Submission:

PreventionGenetics, part of Exact Sciences
Classification: Uncertain significance for FAT4-related condition. Last evaluated: 2026-04-06. Review status: criteria provided, single submitter. Criteria: ACMG Guidelines, 2015. Collection method: clinical testing. Allele origin: germline.
Comment: The FAT4 c.7442C>G variant is predicted to result in the amino acid substitution p.Thr2481Ser. To our knowledge, this variant has not been reported in the literature. This variant is reported in 0.00089% of alleles in individuals of European (Non-Finnish) descent in gnomAD. At this time, the clinical significance of this variant is uncertain due to the absence of conclusive functional and genetic evidence.